The following is an entry in ClinVar:

NM_025137.4(SPG11):c.3417C>G (p.Val1139=)

Gene: SPG11 (SPG11 vesicle trafficking associated, spatacsin; minus strand). Cytogenetic location: 15q21.1.
Variant type: single nucleotide variant.
Coding change: c.3417C>G on transcript NM_025137.4 (MANE Select); coding-DNA position 3417, C replaced by G.
Protein change: p.Val1139=; no amino-acid change (valine 1139 retained).
Molecular consequence: synonymous variant.
Genome position (GRCh38, 1-based): chr15:44,608,480, G>C on the plus strand (C>G on the coding strand, the complement: SPG11 is on the minus strand). VCF-style: chr15-44608480-G-C. GRCh37 (hg19) VCF-style: chr15-44900678-G-C.
Other names: c.3417C>G, p.Val1139= (NM_001160227.2).
Identifiers: ClinVar variation 755542 (VCV000755542.10), dbSNP rs1595875823, ClinGen allele CA490202955.

ClinVar aggregate classification (germline): Likely benign. Review status: criteria provided, single submitter (1 of 4 stars). 2 submissions from 2 submitters: Likely benign (1). 1 of the submissions does not count toward it. Last evaluated 2018-06-12.

Conditions:
SPG11-related disorder. Also called: SPG11-related condition.
Hereditary spastic paraplegia 11. Also called: Spastic paraplegia, mental retardation and thin corpus callosum; Nakamura Osame syndrome; Autosomal recessive hereditary spastic paraplegia, mental impairment, and thin corpus callosum; SPASTIC PARAPLEGIA, AUTOSOMAL RECESSIVE, COMPLICATED, WITH THIN CORPUS CALLOSUM; SPASTIC PARAPLEGIA, AUTOSOMAL RECESSIVE, WITH MENTAL IMPAIRMENT AND THIN CORPUS CALLOSUM; Spastic Paraplegia 11. Identifiers: Orphanet 2822, MedGen C1858479, MONDO:0011445, OMIM 604360.

Allele frequency attached by ClinVar (database versions not stated): TOPMed below 0.00001; gnomAD 0.00001.
gnomAD v4.1: 1 of 1,614,004 alleles (0.000062%); highest among the groups gnomAD compares: Non-Finnish European, 0.000085%; no homozygotes.

Submissions (2):

Labcorp Genetics (formerly Invitae), Labcorp
Classification: Likely benign for Hereditary spastic paraplegia 11. Last evaluated: 2018-06-12. Review status: criteria provided, single submitter. Criteria: Invitae Variant Classification Sherloc (09022015). Collection method: clinical testing. Allele origin: germline.

PreventionGenetics, part of Exact Sciences
Classification: Likely benign for SPG11-related condition. Last evaluated: 2019-06-06. Review status: no assertion criteria provided. Collection method: clinical testing. Allele origin: germline. Not counted in ClinVar's aggregate classification.
Comment: This variant is classified as likely benign based on ACMG/AMP sequence variant interpretation guidelines (Richards et al. 2015 PMID: 25741868, with internal and published modifications).